The following is an entry in ClinVar:

ClinVar aggregate classification (germline): Pathogenic (1 of 4 stars; one submission).

Submission:

Labcorp Genetics (formerly Invitae), Labcorp
Classification: Pathogenic. Last evaluated: 2021-11-19. Review status: criteria provided, single submitter. Criteria: Invitae Variant Classification Sherloc (09022015). Collection method: clinical testing. Allele origin: germline.
Comment: Advanced modeling of protein sequence and biophysical properties (such as structural, functional, and spatial information, amino acid conservation, physicochemical variation, residue mobility, and thermodynamic stability) performed at Invitae indicates that this missense variant is expected to disrupt ABCA4 protein function. This sequence change replaces asparagine, which is neutral and polar, with isoleucine, which is neutral and non-polar, at codon 96 of the ABCA4 protein (p.Asn96Ile). This variant is not present in population databases (gnomAD no frequency). This missense change has been observed in individual(s) with Stargardt disease (Invitae). This variant disrupts the p.Asn96 amino acid residue in ABCA4. Other variant(s) that disrupt this residue have been determined to be pathogenic (PMID: 19365591, 28355279, 29925512, 30060493, 30093795). This suggests that this residue is clinically significant, and that variants that disrupt this residue are likely to be disease-causing. For these reasons, this variant has been classified as Pathogenic.

Literature cited by the submitters: PubMed 19365591; PubMed 28355279; PubMed 29925512; PubMed 30060493; PubMed 30093795.

NM_000350.3(ABCA4):c.287A>T (p.Asn96Ile)

Gene: ABCA4 (ATP binding cassette subfamily A member 4; minus strand). Cytogenetic location: 1p22.1.
Variant type: single nucleotide variant.
Coding change: c.287A>T on transcript NM_000350.3 (MANE Select); coding-DNA position 287, A replaced by T.
Protein change: p.Asn96Ile; replaces asparagine 96 with isoleucine.
Molecular consequence: missense variant.
Genome position (GRCh38, 1-based): chr1:94,111,453, T>A on the plus strand (A>T on the coding strand, the complement: ABCA4 is on the minus strand). VCF-style: chr1-94111453-T-A. GRCh37 (hg19) VCF-style: chr1-94577009-T-A.
Other names: c.287A>T, p.Asn96Ile (NM_001425324.1); short protein forms N96I.
Identifiers: ClinVar variation 1451620 (VCV001451620.6), dbSNP rs2101162260, ClinGen allele CA341285362.